The following is an entry in ClinVar:

NM_001999.4(FBN2):c.5493C>G (p.Phe1831Leu)

Gene: FBN2 (fibrillin 2; minus strand). Cytogenetic location: 5q23.3.
Variant type: single nucleotide variant.
Coding change: c.5493C>G on transcript NM_001999.4 (MANE Select); coding-DNA position 5493, C replaced by G.
Protein change: p.Phe1831Leu; replaces phenylalanine 1831 with leucine.
Molecular consequence: missense variant.
Genome position (GRCh38, 1-based): chr5:128,305,878, G>C on the plus strand (C>G on the coding strand, the complement: FBN2 is on the minus strand). VCF-style: chr5-128305878-G-C. GRCh37 (hg19) VCF-style: chr5-127641570-G-C.
Other names: c.5493C>G (NM_001999.3); short protein forms F1831L.
Identifiers: ClinVar variation 2915465 (VCV002915465.4), dbSNP rs145498631, ClinGen allele CA3394685.

ClinVar aggregate classification (germline): Uncertain significance. Review status: criteria provided, multiple submitters, no conflicts (2 of 4 stars). 2 submissions from 2 submitters: Uncertain significance (2). Last evaluated 2025-02-12.

Conditions:
Congenital contractural arachnodactyly (CCA). Also called: BEALS SYNDROME; Arthrogryposis, distal, type 9; Beals-Hecht syndrome. Identifiers: Orphanet 115, MedGen C0220668, MONDO:0007363, OMIM 121050.
Familial thoracic aortic aneurysm and aortic dissection (TAAD). Also called: Thoracic aortic aneurysms and dissections. Identifiers: Orphanet 91387, MedGen C4707243, MONDO:0019625.

Allele frequency attached by ClinVar (database versions not stated): ExAC 0.00001; TOPMed 0.00002; ESP Exome Variant Server 0.00008.
gnomAD v4.1: 27 of 1,613,822 alleles (0.0017%); highest among the groups gnomAD compares: Non-Finnish European, 0.0023%; no homozygotes.

Submissions (2):

Labcorp Genetics (formerly Invitae), Labcorp
Classification: Uncertain significance for Congenital contractural arachnodactyly. Last evaluated: 2025-02-12. Review status: criteria provided, single submitter. Criteria: Invitae Variant Classification Sherloc (09022015). Collection method: clinical testing. Allele origin: germline.
Comment: This sequence change replaces phenylalanine, which is neutral and non-polar, with leucine, which is neutral and non-polar, at codon 1831 of the FBN2 protein (p.Phe1831Leu). This variant is present in population databases (rs145498631, gnomAD 0.002%). This variant has not been reported in the literature in individuals affected with FBN2-related conditions. ClinVar contains an entry for this variant (Variation ID: 2915465). Invitae Evidence Modeling of protein sequence and biophysical properties (such as structural, functional, and spatial information, amino acid conservation, physicochemical variation, residue mobility, and thermodynamic stability) indicates that this missense variant is expected to disrupt FBN2 protein function with a positive predictive value of 80%. In summary, the available evidence is currently insufficient to determine the role of this variant in disease. Therefore, it has been classified as a Variant of Uncertain Significance.

Ambry Genetics
Classification: Uncertain significance for Familial thoracic aortic aneurysm and aortic dissection. Last evaluated: 2024-11-20. Review status: criteria provided, single submitter. Criteria: Ambry Variant Classification Scheme 2023. Collection method: clinical testing. Allele origin: germline.
Comment: The p.F1831L variant (also known as c.5493C>G), located in coding exon 43 of the FBN2 gene, results from a C to G substitution at nucleotide position 5493. The phenylalanine at codon 1831 is replaced by leucine, an amino acid with highly similar properties. This amino acid position is highly conserved in available vertebrate species. In addition, this alteration is predicted to be deleterious by in silico analysis. Based on the available evidence, the clinical significance of this variant remains unclear.